The following is an entry in ClinVar:

ClinVar aggregate classification (germline): Uncertain significance (1 of 4 stars; one submission).

Submission:

CeGaT Center for Human Genetics Tuebingen
Classification: Uncertain significance. Last evaluated: 2023-08-01. Review status: criteria provided, single submitter. Criteria: CeGaT Center For Human Genetics Tuebingen Variant Classification Criteria Version 2. Collection method: clinical testing. Allele origin: germline. Affected: yes. Observed: 1 variant allele.
Comment: RAI1: PM2, BP4

NM_030665.4(RAI1):c.2188C>T (p.Pro730Ser)

Gene: RAI1 (retinoic acid induced 1; plus strand). Cytogenetic location: 17p11.2.
Variant type: single nucleotide variant.
Coding change: c.2188C>T on transcript NM_030665.4 (MANE Select); coding-DNA position 2188, C replaced by T.
Protein change: p.Pro730Ser; replaces proline 730 with serine.
Molecular consequence: missense variant.
Genome position (GRCh38, 1-based): chr17:17,795,136, C>T. VCF-style: chr17-17795136-C-T. GRCh37 (hg19) VCF-style: chr17-17698450-C-T.
Other names: short protein forms P730S.
Identifiers: ClinVar variation 2647522 (VCV002647522.24), dbSNP rs2508580028, ClinGen allele CA398550403.